The following is an entry in ClinVar:

ClinVar aggregate classification (germline): Likely benign (1 of 4 stars; one submission).

Submission:

CeGaT Center for Human Genetics Tuebingen
Classification: Likely benign. Last evaluated: 2023-07-01. Review status: criteria provided, single submitter. Criteria: CeGaT Center For Human Genetics Tuebingen Variant Classification Criteria Version 2. Collection method: clinical testing. Allele origin: germline. Affected: yes. Observed: 1 variant allele.
Comment: RANBP2: PM2:Supporting, BP4, BP7

NM_006267.5(RANBP2):c.8826A>G (p.Arg2942=)

Gene: RANBP2 (RAN binding protein 2; plus strand). Cytogenetic location: 2q13.
Variant type: single nucleotide variant.
Coding change: c.8826A>G on transcript NM_006267.5 (MANE Select); coding-DNA position 8826, A replaced by G.
Protein change: p.Arg2942=; no amino-acid change (arginine 2942 retained).
Molecular consequence: synonymous variant.
Genome position (GRCh38, 1-based): chr2:108,782,193, A>G. VCF-style: chr2-108782193-A-G. GRCh37 (hg19) VCF-style: chr2-109398649-A-G.
Other names: c.8904A>G, p.Arg2968= (NM_001415871.1); c.8823A>G, p.Arg2941= (NM_001415872.1); c.8850A>G, p.Arg2950= (NM_001415873.1).
Identifiers: ClinVar variation 2651255 (VCV002651255.24), dbSNP rs2467757888, ClinGen allele CA428203272.